The following is an entry in ClinVar:

NM_002693.3(POLG):c.128A>G (p.Gln43Arg)

Genes: POLGARF (POLG alternative reading frame; minus strand), POLG (DNA polymerase gamma, catalytic subunit; minus strand). Cytogenetic location: 15q26.1.
Variant type: single nucleotide variant.
Coding change: c.128A>G on transcript NM_002693.3 (MANE Select); coding-DNA position 128, A replaced by G.
Protein change: p.Gln43Arg; replaces glutamine 43 with arginine.
Molecular consequence: missense variant.
Genome position (GRCh38, 1-based): chr15:89,333,627, T>C on the plus strand (A>G on the coding strand, the complement: POLG is on the minus strand). VCF-style: chr15-89333627-T-C. GRCh37 (hg19) VCF-style: chr15-89876858-T-C.
Other names: p.Q43R:CAG>CGG; c.128A>G, p.Gln43Arg (NM_001126131.2); short protein forms Q43R.
Identifiers: ClinVar variation 129989 (VCV000129989.35), dbSNP rs28567406, ClinGen allele CA288980.
Genomic context (GRCh38, chr15:89,333,627, plus strand): 5'-GATAGCACTTGCGGCTGCTGAGGCTGCTGTTGCTGCTGCTGCTGCTGCTGCTGCTGCTGC[T>C]GCCGCCGCCGCTGCCCGTCGCTGGGGTCGGACGCGGGGACGGAGCTGGAGACCCAGCGCC-3'
Protein context (NP_002684.1, residues 33-53): SDPSDGQRRR[Gln43Arg]QQQQQQQQQQ

ClinVar aggregate classification (germline): Benign/Likely benign. Review status: criteria provided, multiple submitters, no conflicts (2 of 4 stars). 11 submissions from 11 submitters: Benign (8); Likely benign (1). 2 of the submissions do not count toward it. Last evaluated 2026-02-04.

Conditions:
Inborn genetic diseases. Identifiers: MedGen C0950123, MeSH D030342.
Progressive sclerosing poliodystrophy (MTDPS4A). Also called: Alpers Syndrome; ALPERS DIFFUSE DEGENERATION OF CEREBRAL GRAY MATTER WITH HEPATIC CIRRHOSIS; Alpers-Huttenlocher Syndrome; Alpers-Huttenlocher Syndrome (AHS); NEURONAL DEGENERATION OF CHILDHOOD WITH LIVER DISEASE, PROGRESSIVE; ALPERS PROGRESSIVE INFANTILE POLIODYSTROPHY. Identifiers: Orphanet 726, MedGen C0205710, MONDO:0008758, OMIM 203700.
Hereditary spastic paraplegia. Also called: Familial spastic paraparesis. Identifiers: Orphanet 685, MedGen C0037773, MONDO:0019064. Disease mechanism: loss of function.
POLG-related disorder. Also called: POLG-Related Spectrum Disorders; POLG-related condition; POLG-Related Disorders. Identifiers: MedGen C4763519.

Allele frequency attached by ClinVar (database versions not stated): gnomAD exomes 0.00523; ExAC 0.00630; gnomAD 0.01433 and 0.01478; TOPMed 0.01605; 1000 Genomes Project 0.02316.
gnomAD v4.1: 8,505 of 1,580,742 alleles (0.54%); highest among the groups gnomAD compares: African/African-American, 4.2%; 85 homozygotes.

Submissions (11):

Labcorp Genetics (formerly Invitae), Labcorp
Classification: Benign for Progressive sclerosing poliodystrophy. Last evaluated: 2026-02-04. Review status: criteria provided, single submitter. Criteria: Invitae Variant Classification Sherloc (09022015). Collection method: clinical testing. Allele origin: germline.

Blueprint Genetics
Classification: Likely benign. Last evaluated: 2024-11-27. Review status: criteria provided, single submitter. Criteria: ACMG Guidelines, 2015. Collection method: clinical testing. Allele origin: germline.

Genome Diagnostics Laboratory, The Hospital for Sick Children
Classification: Benign for Hereditary spastic paraplegia. Last evaluated: 2020-12-23. Review status: criteria provided, single submitter. Criteria: ACMG Guidelines, 2015. Collection method: clinical testing. Allele origin: germline. Affected: yes.

Wong Mito Lab, Molecular and Human Genetics, Baylor College of Medicine
Classification: Benign for Progressive sclerosing poliodystrophy. Last evaluated: 2018-10-01. Review status: criteria provided, single submitter. Criteria: ACMG Guidelines, 2015. Collection method: clinical testing. Allele origin: germline.
Comment: The NM_002693.2:c.128A>G (NP_002684.1:p.Gln43Arg) [GRCH38: NC_000015.10:g.89333627T>C] variant in POLG gene is interpretated to be a Benign based on ACMG guidelines (PMID: 25741868). This variant meets the following evidence codes reported in the ACMG-guideline. BA1:Minor allele frequency is too high for the Mitochondrial DNA depletion syndrome 4A (Alpers type). BS1:The minor allele frequency of this allele is high for Mitochondrial DNA depletion syndrome 4A (Alpers type). BS2:Observation of the variant in controls is inconsistent with penetrance of Mitochondrial DNA depletion syndrome 4A (Alpers type). Based on the evidence criteria codes applied, the variant is suggested to be Benign.

Illumina Laboratory Services, Illumina
Classification: Benign for POLG-Related Spectrum Disorders. Last evaluated: 2017-04-27. Review status: criteria provided, single submitter. Criteria: ICSL Variant Classification Criteria 13 December 2019. Collection method: clinical testing. Allele origin: germline.
Comment: This variant was observed as part of a predisposition screen in an ostensibly healthy population. A literature search was performed for the gene, cDNA change, and amino acid change (where applicable). Publications were found based on this search. The evidence from the literature, in combination with allele frequency data from public databases where available, was sufficient to rule this variant out of causing disease. Therefore, this variant is classified as benign.

Ambry Genetics
Classification: Benign for Inborn genetic diseases. Last evaluated: 2016-07-11. Review status: criteria provided, single submitter. Criteria: Ambry Variant Classification Scheme 2023. Collection method: clinical testing. Allele origin: germline.

Eurofins Ntd Llc (ga)
Classification: Benign. Last evaluated: 2014-11-11. Review status: criteria provided, single submitter. Criteria: EGL Classification Definitions 2015. Collection method: clinical testing. Allele origin: germline. Observed: 1 variant allele, 1 heterozygote.

GeneDx
Classification: Benign. Last evaluated: 2013-05-17. Review status: criteria provided, single submitter. Criteria: GeneDx Variant Classification (06012015). Collection method: clinical testing. Allele origin: germline. Affected: yes.
Comment: This variant is considered likely benign or benign based on one or more of the following criteria: it is a conservative change, it occurs at a poorly conserved position in the protein, it is predicted to be benign by multiple in silico algorithms, and/or has population frequency not consistent with disease.

Breakthrough Genomics
Classification: Benign. Review status: criteria provided, single submitter. Criteria: ACMG Guidelines, 2015. Collection method: not provided. Allele origin: germline. Inheritance: Autosomal recessive inheritance. Affected: yes.

Mayo Clinic Laboratories, Mayo Clinic
Classification: Likely benign. Last evaluated: 2016-02-29. Review status: no assertion criteria provided. Collection method: clinical testing. Allele origin: unknown. Not counted in ClinVar's aggregate classification.

Genetic Services Laboratory, University of Chicago
Classification: Likely benign for AllHighlyPenetrant. Review status: no assertion criteria provided. Collection method: clinical testing. Allele origin: germline. Inheritance: Autosomal recessive inheritance. Not counted in ClinVar's aggregate classification.
Comment: Likely benign based on allele frequency in 1000 Genomes Project or ESP global frequency and its presence in a patient with a rare or unrelated disease phenotype. NOT Sanger confirmed.

Literature cited by the submitters: PubMed 23066759 (cited by Illumina Laboratory Services, Illumina); PubMed 17846414 (cited by Illumina Laboratory Services, Illumina).